The following is an entry in ClinVar:

ClinVar aggregate classification (germline): Uncertain significance. Review status: criteria provided, multiple submitters, no conflicts (2 of 4 stars). 2 submissions from 2 submitters: Uncertain significance (2). Last evaluated 2024-07-02.

Conditions:
Fanconi anemia (FA). Also called: Fanconi's anemia. Identifiers: Orphanet 84, MedGen C0015625, MeSH D005199, MONDO:0019391.
Inborn genetic diseases. Identifiers: MedGen C0950123, MeSH D030342.

Allele frequency attached by ClinVar (database versions not stated): gnomAD exomes below 0.00001; TOPMed 0.00001; ExAC 0.00003; 1000 Genomes Project 30x 0.00031.

Submissions (2):

Labcorp Genetics (formerly Invitae), Labcorp
Classification: Uncertain significance for Fanconi anemia. Last evaluated: 2024-07-02. Review status: criteria provided, single submitter. Criteria: Invitae Variant Classification Sherloc (09022015). Collection method: clinical testing. Allele origin: germline.
Comment: This sequence change replaces arginine, which is basic and polar, with cysteine, which is neutral and slightly polar, at codon 39 of the FANCF protein (p.Arg39Cys). This variant is present in population databases (rs750686882, gnomAD 0.04%). This variant has not been reported in the literature in individuals affected with FANCF-related conditions. ClinVar contains an entry for this variant (Variation ID: 2534045). Advanced modeling of protein sequence and biophysical properties (such as structural, functional, and spatial information, amino acid conservation, physicochemical variation, residue mobility, and thermodynamic stability) performed at Invitae indicates that this missense variant is expected to disrupt FANCF protein function with a positive predictive value of 80%. In summary, the available evidence is currently insufficient to determine the role of this variant in disease. Therefore, it has been classified as a Variant of Uncertain Significance.

Ambry Genetics
Classification: Uncertain significance for Inborn genetic diseases. Last evaluated: 2023-04-27. Review status: criteria provided, single submitter. Criteria: Ambry Variant Classification Scheme 2023. Collection method: clinical testing. Allele origin: germline.
Comment: The c.115C>T (p.R39C) alteration is located in coding exon 1 of the FANCF gene. This alteration results from a C to T substitution at nucleotide position 115, causing the arginine (R) at amino acid position 39 to be replaced by a cysteine (C). Based on data from gnomAD, the T allele has an overall frequency of 0.003% (8/249962) total alleles studied. The highest observed frequency was 0.044% (8/18310) of East Asian alleles. This amino acid position is well conserved in available vertebrate species. This alteration is predicted to be tolerated by in silico analysis. Based on insufficient or conflicting evidence, the clinical significance of this alteration remains unclear.

NM_022725.4(FANCF):c.115C>T (p.Arg39Cys)

Gene: FANCF (FA complementation group F; minus strand). Cytogenetic location: 11p14.3.
Variant type: single nucleotide variant.
Coding change: c.115C>T on transcript NM_022725.4 (MANE Select); coding-DNA position 115, C replaced by T.
Protein change: p.Arg39Cys; replaces arginine 39 with cysteine.
Molecular consequence: missense variant.
Genome position (GRCh38, 1-based): chr11:22,625,696, G>A on the plus strand (C>T on the coding strand, the complement: FANCF is on the minus strand). VCF-style: chr11-22625696-G-A. GRCh37 (hg19) VCF-style: chr11-22647242-G-A.
Other names: short protein forms R39C.
Identifiers: ClinVar variation 2534045 (VCV002534045.5), dbSNP rs750686882, ClinGen allele CA5924431.